The following is an entry in ClinVar:

ClinVar aggregate classification (germline): Likely pathogenic (1 of 4 stars; one submission).

Allele frequency attached by ClinVar (database versions not stated): gnomAD 0.00001; 1000 Genomes Project 30x 0.00016.
gnomAD v4.1: 15 of 1,560,948 alleles (0.00096%); highest among the groups gnomAD compares: South Asian, 0.018%; no homozygotes.

Submission:

Labcorp Genetics (formerly Invitae), Labcorp
Classification: Likely pathogenic. Last evaluated: 2023-12-03. Review status: criteria provided, single submitter. Criteria: Invitae Variant Classification Sherloc (09022015). Collection method: clinical testing. Allele origin: germline.
Comment: This sequence change affects an acceptor splice site in intron 8 of the MPDZ gene. It is expected to disrupt RNA splicing. Variants that disrupt the donor or acceptor splice site typically lead to a loss of protein function (PMID: 16199547), and loss-of-function variants in MPDZ are known to be pathogenic (PMID: 23240096, 28556411). The frequency data for this variant in the population databases is considered unreliable, as metrics indicate poor data quality at this position in the gnomAD database. This variant has not been reported in the literature in individuals affected with MPDZ-related conditions. Algorithms developed to predict the effect of sequence changes on RNA splicing suggest that this variant may disrupt the consensus splice site. In summary, the currently available evidence indicates that the variant is pathogenic, but additional data are needed to prove that conclusively. Therefore, this variant has been classified as Likely Pathogenic.

Literature cited by the submitters: PubMed 16199547; PubMed 23240096; PubMed 28556411.

NM_001378778.1(MPDZ):c.1087-1G>T

Gene: MPDZ (multiple PDZ domain crumbs cell polarity complex component; minus strand). Cytogenetic location: 9p23.
Variant type: single nucleotide variant.
Coding change: c.1087-1G>T on transcript NM_001378778.1 (MANE Select); the canonical splice acceptor site of the intron before coding-DNA position 1087, G replaced by T.
Molecular consequence: splice acceptor variant.
Genome position (GRCh38, 1-based): chr9:13,217,295, C>A on the plus strand (G>T on the coding strand, the complement: MPDZ is on the minus strand). VCF-style: chr9-13217295-C-A. GRCh37 (hg19) VCF-style: chr9-13217294-C-A.
Other names: c.1087-1G>T (NM_001375425.1, NM_001375420.1, NM_001375419.1 and 14 more transcripts).
Identifiers: ClinVar variation 2905229 (VCV002905229.3), dbSNP rs1463452514, ClinGen allele CA372945045.